The following is an entry in ClinVar:

ClinVar aggregate classification (germline): Uncertain significance. Review status: criteria provided, multiple submitters, no conflicts (2 of 4 stars). 2 submissions from 2 submitters: Uncertain significance (2). Last evaluated 2025-12-27.

Conditions:
Dilated cardiomyopathy 1O (CMD1O). Also called: CARDIOMYOPATHY, DILATED, WITH VENTRICULAR TACHYCARDIA. Identifiers: Orphanet 154, MedGen C1837839, MONDO:0012062, OMIM 608569.
Cardiovascular phenotype. Identifiers: MedGen CN230736.

Allele frequency attached by ClinVar (database versions not stated): ExAC 0.00001; gnomAD 0.00001; gnomAD exomes 0.00001.
gnomAD v4.1: 13 of 1,612,986 alleles (0.00081%); highest among the groups gnomAD compares: East Asian, 0.0022%; no homozygotes.

Submissions (2):

Labcorp Genetics (formerly Invitae), Labcorp
Classification: Uncertain significance for Dilated cardiomyopathy 1O. Last evaluated: 2025-12-27. Review status: criteria provided, single submitter. Criteria: Invitae Variant Classification Sherloc (09022015). Collection method: clinical testing. Allele origin: germline.
Comment: This sequence change replaces valine, which is neutral and non-polar, with isoleucine, which is neutral and non-polar, at codon 1332 of the ABCC9 protein (p.Val1332Ile). This variant is present in population databases (rs200350065, gnomAD 0.003%). This variant has not been reported in the literature in individuals affected with ABCC9-related conditions. ClinVar contains an entry for this variant (Variation ID: 410822). Invitae Evidence Modeling of protein sequence and biophysical properties (such as structural, functional, and spatial information, amino acid conservation, physicochemical variation, residue mobility, and thermodynamic stability) has been performed for this missense variant. However, the output from this modeling did not meet the statistical confidence thresholds required to predict the impact of this variant on ABCC9 protein function. In summary, the available evidence is currently insufficient to determine the role of this variant in disease. Therefore, it has been classified as a Variant of Uncertain Significance.

Ambry Genetics
Classification: Uncertain significance for Cardiovascular phenotype. Last evaluated: 2025-07-14. Review status: criteria provided, single submitter. Criteria: Ambry Variant Classification Scheme 2023. Collection method: clinical testing. Allele origin: germline.
Comment: The p.V1332I variant (also known as c.3994G>A), located in coding exon 32 of the ABCC9 gene, results from a G to A substitution at nucleotide position 3994. The valine at codon 1332 is replaced by isoleucine, an amino acid with highly similar properties. This amino acid position is highly conserved in available vertebrate species. In addition, the in silico prediction for this alteration is inconclusive. Based on the available evidence, the clinical significance of this variant remains unclear.

NM_020297.4(ABCC9):c.3994G>A (p.Val1332Ile)

Genes: ABCC9 (ATP binding cassette subfamily C member 9; minus strand), KCNJ8-AS1 (KCNJ8 antisense RNA 1; plus strand). Cytogenetic location: 12p12.1.
Variant type: single nucleotide variant.
Coding change: c.3994G>A on transcript NM_020297.4 (MANE Select); coding-DNA position 3994, G replaced by A.
Protein change: p.Val1332Ile; replaces valine 1332 with isoleucine.
Molecular consequence: missense variant.
Genome position (GRCh38, 1-based): chr12:21,815,792, C>T on the plus strand (G>A on the coding strand, the complement: ABCC9 is on the minus strand). VCF-style: chr12-21815792-C-T. GRCh37 (hg19) VCF-style: chr12-21968726-C-T.
Other names: c.3994G>A, p.Val1332Ile (NM_001377273.1, NM_005691.4); c.3127G>A, p.Val1043Ile (NM_001377274.1); short protein forms V1332I, V1043I.
Identifiers: ClinVar variation 410822 (VCV000410822.11), dbSNP rs200350065, ClinGen allele CA6480979.
Genomic context (GRCh38, chr12:21,815,792, plus strand): 5'-ATACAACATATCAAATGCAGTGATTTCATACCTTTTGTCCAGGTTTGATGTAAGCCTTGA[C>T]GTGCTTAAGAACAGGTTTCAGATTATTTTCATATCTGACACACAGATCATGTATCTTGAT-3'
Protein context (NP_064693.2, residues 1322-1342): ENNLKPVLKH[Val1332Ile]KAYIKPGQKV